The following is an entry in ClinVar:

ClinVar aggregate classification (germline): Uncertain significance (1 of 4 stars; one submission).

Allele frequency attached by ClinVar (database versions not stated): gnomAD exomes below 0.00001.
gnomAD v4.1: 2 of 1,613,914 alleles (0.00012%); highest among the groups gnomAD compares: Non-Finnish European, 0.00017%; no homozygotes.

Submission:

Ambry Genetics
Classification: Uncertain significance. Last evaluated: 2023-08-31. Review status: criteria provided, single submitter. Criteria: Ambry Variant Classification Scheme 2023. Collection method: clinical testing. Allele origin: germline.
Comment: The p.S167Y variant (also known as c.500C>A), located in coding exon 3 of the MNDA gene, results from a C to A substitution at nucleotide position 500. The serine at codon 167 is replaced by tyrosine, an amino acid with dissimilar properties. This amino acid position is conserved. In addition, this alteration is predicted to be tolerated by in silico analysis. Since supporting evidence is limited at this time, the clinical significance of this alteration remains unclear.

NM_002432.3(MNDA):c.500C>A (p.Ser167Tyr)

Gene: MNDA (myeloid cell nuclear differentiation antigen; plus strand). Cytogenetic location: 1q23.1.
Variant type: single nucleotide variant.
Coding change: c.500C>A on transcript NM_002432.3 (MANE Select); coding-DNA position 500, C replaced by A.
Protein change: p.Ser167Tyr; replaces serine 167 with tyrosine.
Molecular consequence: missense variant.
Genome position (GRCh38, 1-based): chr1:158,844,052, C>A. VCF-style: chr1-158844052-C-A. GRCh37 (hg19) VCF-style: chr1-158813842-C-A.
Other names: short protein forms S167Y.
Identifiers: ClinVar variation 2621539 (VCV002621539.2), dbSNP rs2526081916, ClinGen allele CA343039328.